The following is an entry in ClinVar:

NM_000075.4(CDK4):c.820-4T>G

Genes: TSPAN31 (tetraspanin 31; plus strand), MIR6759 (microRNA 6759; minus strand), CDK4 (cyclin dependent kinase 4; minus strand). Cytogenetic location: 12q14.1.
Variant type: single nucleotide variant.
Coding change: c.820-4T>G on transcript NM_000075.4 (MANE Select); 4 bases into the intron before coding-DNA position 820, T replaced by G.
Molecular consequence: intron variant. On other transcripts: non-coding transcript variant (1), 3 prime UTR variant (3).
Genome position (GRCh38, 1-based): chr12:57,748,621, A>C on the plus strand (T>G on the coding strand, the complement: CDK4 is on the minus strand). VCF-style: chr12-57748621-A-C. GRCh37 (hg19) VCF-style: chr12-58142404-A-C.
Other names: c.*1331A>C (NM_001330168.2, NM_001330169.2, NM_005981.5).
Identifiers: ClinVar variation 1762451 (VCV001762451.5), dbSNP rs750073768, ClinGen allele CA2580086578.

ClinVar aggregate classification (germline): Conflicting classifications of pathogenicity. Review status: criteria provided, conflicting classifications (1 of 4 stars). 2 submissions from 2 submitters: Uncertain significance (1); Likely benign (1). Last evaluated 2025-04-22.

Conditions:
Hereditary cancer-predisposing syndrome. Also called: Neoplastic Syndromes, Hereditary; Tumor predisposition; Hereditary Cancer Syndrome; Hereditary neoplastic syndrome. Identifiers: Orphanet 140162, MedGen C0027672, MeSH D009386, MONDO:0015356.
Familial melanoma. Also called: Hereditary melanoma; Hereditary cutaneous melanoma. Identifiers: Orphanet 618, MedGen C1512419, MONDO:0018961.

Submissions (2):

Labcorp Genetics (formerly Invitae), Labcorp
Classification: Likely benign for Familial melanoma. Last evaluated: 2025-04-22. Review status: criteria provided, single submitter. Criteria: Invitae Variant Classification Sherloc (09022015). Collection method: clinical testing. Allele origin: germline.

Ambry Genetics
Classification: Uncertain significance for Hereditary cancer-predisposing syndrome. Last evaluated: 2021-06-15. Review status: criteria provided, single submitter. Criteria: Ambry Variant Classification Scheme 2023. Collection method: clinical testing. Allele origin: germline.
Comment: The c.820-4T>G intronic variant results from a T to G substitution 4 nucleotides upstream from coding exon 7 in the CDK4 gene. This nucleotide position is well conserved in available vertebrate species. In silico splice site analysis predicts that this alteration will not have any significant effect on splicing. Since supporting evidence is limited at this time, the clinical significance of this alteration remains unclear.